The following is an entry in ClinVar:

NM_080911.3(UNG):c.686G>A (p.Arg229Gln)

Gene: UNG (uracil DNA glycosylase; plus strand). Cytogenetic location: 12q24.11.
Variant type: single nucleotide variant.
Coding change: c.686G>A on transcript NM_080911.3 (MANE Select); coding-DNA position 686, G replaced by A.
Protein change: p.Arg229Gln; replaces arginine 229 with glutamine.
Molecular consequence: missense variant.
Genome position (GRCh38, 1-based): chr12:109,103,496, G>A. VCF-style: chr12-109103496-G-A. GRCh37 (hg19) VCF-style: chr12-109541301-G-A.
Other names: c.659G>A, p.Arg220Gln (NM_003362.4); short protein forms R220Q, R229Q.
Identifiers: ClinVar variation 1517569 (VCV001517569.8), dbSNP rs146408261, ClinGen allele CA6772736.

ClinVar aggregate classification (germline): Uncertain significance (1 of 4 stars; one submission).

Conditions:
Hyper-IgM syndrome type 5 (HIGM5). Also called: Hyper-IgM Immunodeficiency Syndrome, Type 5. Identifiers: Orphanet 101092, MedGen C1720958, MONDO:0011971, OMIM 608106.

Allele frequency attached by ClinVar (database versions not stated): gnomAD exomes below 0.00001; TOPMed below 0.00001; ExAC 0.00001; gnomAD 0.00001; 1000 Genomes Project 30x 0.00016; 1000 Genomes Project 0.00020.
gnomAD v4.1: 9 of 1,614,196 alleles (0.00056%); highest among the groups gnomAD compares: African/African-American, 0.0027%; no homozygotes.

Submission:

Labcorp Genetics (formerly Invitae), Labcorp
Classification: Uncertain significance for Hyper-IgM syndrome type 5. Last evaluated: 2025-07-14. Review status: criteria provided, single submitter. Criteria: Invitae Variant Classification Sherloc (09022015). Collection method: clinical testing. Allele origin: germline.
Comment: This sequence change replaces arginine, which is basic and polar, with glutamine, which is neutral and polar, at codon 229 of the UNG protein (p.Arg229Gln). This variant is not present in population databases (gnomAD no frequency). This variant has not been reported in the literature in individuals affected with UNG-related conditions. ClinVar contains an entry for this variant (Variation ID: 1517569). Invitae Evidence Modeling of protein sequence and biophysical properties (such as structural, functional, and spatial information, amino acid conservation, physicochemical variation, residue mobility, and thermodynamic stability) indicates that this missense variant is not expected to disrupt UNG protein function with a negative predictive value of 80%. In summary, the available evidence is currently insufficient to determine the role of this variant in disease. Therefore, it has been classified as a Variant of Uncertain Significance.